The following is an entry in ClinVar:

ClinVar aggregate classification (germline): Uncertain significance (1 of 4 stars; one submission).

Submission:

Labcorp Genetics (formerly Invitae), Labcorp
Classification: Uncertain significance. Last evaluated: 2021-11-21. Review status: criteria provided, single submitter. Criteria: Invitae Variant Classification Sherloc (09022015). Collection method: clinical testing. Allele origin: germline.
Comment: This sequence change replaces histidine, which is basic and polar, with asparagine, which is neutral and polar, at codon 268 of the BCS1L protein (p.His268Asn). This variant is not present in population databases (gnomAD no frequency). This variant has not been reported in the literature in individuals affected with BCS1L-related conditions. Algorithms developed to predict the effect of missense changes on protein structure and function are either unavailable or do not agree on the potential impact of this missense change (SIFT: "Deleterious"; PolyPhen-2: "Probably Damaging"; Align-GVGD: "Class C15"). In summary, the available evidence is currently insufficient to determine the role of this variant in disease. Therefore, it has been classified as a Variant of Uncertain Significance.

NM_001079866.2(BCS1L):c.802C>A (p.His268Asn)

Gene: BCS1L (BCS1 ubiquinol-cytochrome c reductase complex chaperone; plus strand). Cytogenetic location: 2q35.
Variant type: single nucleotide variant.
Coding change: c.802C>A on transcript NM_001079866.2 (MANE Select); coding-DNA position 802, C replaced by A.
Protein change: p.His268Asn; replaces histidine 268 with asparagine.
Molecular consequence: missense variant. On other transcripts: non-coding transcript variant (1).
Genome position (GRCh38, 1-based): chr2:218,662,592, C>A. VCF-style: chr2-218662592-C-A. GRCh37 (hg19) VCF-style: chr2-219527315-C-A.
Other names: c.802C>A, p.His268Asn (NM_001320717.2, NM_001371443.1, NM_001371444.1 and 10 more transcripts); c.442C>A, p.His148Asn (NM_001371451.1, NM_001318836.2); c.301C>A, p.His101Asn (NM_001371452.1, NM_001371453.1, NM_001371454.1 and 3 more transcripts); short protein forms H148N, H101N, H268N.
Identifiers: ClinVar variation 1394364 (VCV001394364.6), dbSNP rs1321220246, ClinGen allele CA350630309.